The following is an entry in ClinVar:

ClinVar aggregate classification (germline): Uncertain significance (1 of 4 stars; one submission).

Conditions:
Inborn genetic diseases. Identifiers: MedGen C0950123, MeSH D030342.

Submission:

Ambry Genetics
Classification: Uncertain significance for Inborn genetic diseases. Last evaluated: 2025-09-26. Review status: criteria provided, single submitter. Criteria: Ambry Variant Classification Scheme 2023. Collection method: clinical testing. Allele origin: germline.
Comment: The p.L1619F variant (also known as c.4857A>T), located in coding exon 32 of the ANKRD26 gene, results from an A to T substitution at nucleotide position 4857. The leucine at codon 1619 is replaced by phenylalanine, an amino acid with highly similar properties. This amino acid position is conserved. In addition, this alteration is predicted to be tolerated by in silico analysis. Based on the available evidence, the clinical significance of this variant remains unclear.

NM_014915.3(ANKRD26):c.4857A>T (p.Leu1619Phe)

Gene: ANKRD26 (ankyrin repeat domain 26; minus strand). Cytogenetic location: 10p12.1.
Variant type: single nucleotide variant.
Coding change: c.4857A>T on transcript NM_014915.3 (MANE Select); coding-DNA position 4857, A replaced by T.
Protein change: p.Leu1619Phe; replaces leucine 1619 with phenylalanine.
Molecular consequence: missense variant.
Genome position (GRCh38, 1-based): chr10:27,012,978, T>A on the plus strand (A>T on the coding strand, the complement: ANKRD26 is on the minus strand). VCF-style: chr10-27012978-T-A. GRCh37 (hg19) VCF-style: chr10-27301907-T-A.
Other names: c.4854A>T, p.Leu1618Phe (NM_001256053.2); short protein forms L1619F, L1618F.
Identifiers: ClinVar variation 4578977 (VCV004578977.1).